The following is an entry in ClinVar:

NM_014264.5(PLK4):c.2806A>G (p.Thr936Ala)

Gene: PLK4 (polo like kinase 4; plus strand). Cytogenetic location: 4q28.1.
Variant type: single nucleotide variant.
Coding change: c.2806A>G on transcript NM_014264.5 (MANE Select); coding-DNA position 2806, A replaced by G.
Protein change: p.Thr936Ala; replaces threonine 936 with alanine.
Molecular consequence: missense variant.
Genome position (GRCh38, 1-based): chr4:127,896,903, A>G. VCF-style: chr4-127896903-A-G. GRCh37 (hg19) VCF-style: chr4-128818058-A-G.
Other names: c.2710A>G, p.Thr904Ala (NM_001190799.2); c.2683A>G, p.Thr895Ala (NM_001190801.2); short protein forms T895A, T904A, T936A.
Identifiers: ClinVar variation 1306562 (VCV001306562.6), dbSNP rs879879806, ClinGen allele CA105644718.

ClinVar aggregate classification (germline): Uncertain significance. Review status: criteria provided, multiple submitters, no conflicts (2 of 4 stars). 2 submissions from 2 submitters: Uncertain significance (2). Last evaluated 2022-08-23.

Allele frequency attached by ClinVar (database versions not stated): gnomAD exomes 0.00001; TOPMed 0.00003; gnomAD 0.00006.
gnomAD v4.1: 29 of 1,559,046 alleles (0.0019%); highest among the groups gnomAD compares: African/African-American, 0.0081%; no homozygotes.

Submissions (2):

Labcorp Genetics (formerly Invitae), Labcorp
Classification: Uncertain significance. Last evaluated: 2022-08-23. Review status: criteria provided, single submitter. Criteria: Invitae Variant Classification Sherloc (09022015). Collection method: clinical testing. Allele origin: germline.
Comment: This sequence change replaces threonine, which is neutral and polar, with alanine, which is neutral and non-polar, at codon 936 of the PLK4 protein (p.Thr936Ala). This variant is present in population databases (no rsID available, gnomAD 0.006%). This variant has not been reported in the literature in individuals affected with PLK4-related conditions. ClinVar contains an entry for this variant (Variation ID: 1306562). Algorithms developed to predict the effect of missense changes on protein structure and function (SIFT, PolyPhen-2, Align-GVGD) all suggest that this variant is likely to be disruptive. Algorithms developed to predict the effect of sequence changes on RNA splicing suggest that this variant may create or strengthen a splice site. In summary, the available evidence is currently insufficient to determine the role of this variant in disease. Therefore, it has been classified as a Variant of Uncertain Significance.

GeneDx
Classification: Uncertain significance. Last evaluated: 2019-06-20. Review status: criteria provided, single submitter. Criteria: GeneDx Variant Classification Process June 2021. Collection method: clinical testing. Allele origin: germline. Affected: yes.
Comment: In silico analysis, which includes protein predictors and evolutionary conservation, supports a deleterious effect; Has not been previously published as pathogenic or benign to our knowledge